The following is an entry in ClinVar:

NM_080680.3(COL11A2):c.3799-9C>G

Gene: COL11A2 (collagen type XI alpha 2 chain; minus strand). Cytogenetic location: 6p21.32.
Variant type: single nucleotide variant.
Coding change: c.3799-9C>G on transcript NM_080680.3 (MANE Select); 9 bases into the intron before coding-DNA position 3799, C replaced by G.
Molecular consequence: intron variant.
Genome position (GRCh38, 1-based): chr6:33,169,017, G>C on the plus strand (C>G on the coding strand, the complement: COL11A2 is on the minus strand). VCF-style: chr6-33169017-G-C. GRCh37 (hg19) VCF-style: chr6-33136794-G-C.
Other names: c.3478-9C>G (NM_080679.3); c.3541-9C>G (NM_080681.3).
Identifiers: ClinVar variation 517496 (VCV000517496.9), dbSNP rs762361602, ClinGen allele CA3750361.

ClinVar aggregate classification (germline): Conflicting classifications of pathogenicity. Review status: criteria provided, conflicting classifications (1 of 4 stars). 2 submissions from 2 submitters: Uncertain significance (1); Likely benign (1). Last evaluated 2025-04-11.

Allele frequency attached by ClinVar (database versions not stated): TOPMed below 0.00001; ExAC 0.00001; gnomAD exomes 0.00001.
gnomAD v4.1: 3 of 1,605,500 alleles (0.00019%); highest among the groups gnomAD compares: South Asian, 0.0033%; no homozygotes.

Submissions (2):

Labcorp Genetics (formerly Invitae), Labcorp
Classification: Likely benign. Last evaluated: 2025-04-11. Review status: criteria provided, single submitter. Criteria: Invitae Variant Classification Sherloc (09022015). Collection method: clinical testing. Allele origin: germline.

Laboratory for Molecular Medicine, Mass General Brigham Personalized Medicine
Classification: Uncertain significance. Last evaluated: 2017-08-30. Review status: criteria provided, single submitter. Criteria: LMM Criteria. Collection method: clinical testing. Allele origin: germline. Observed: 1 variant allele.
Comment: The c.3799-9C>G variant in COL11A2 has not been previously reported in individua ls with hearing loss, but has been identified in 2/29112 South Asian chromosomes by the Genome Aggregation Database (gnomAD; dbSNP rs762361602). Although this variant has been seen in the general populatio n, its frequency is not high enough to rule out a pathogenic role. This variant is located in the 3' splice region. Computational tools do not suggest an impact to splicing. However, this information is not predictive enough to rule out pat hogenicity. In summary, the clinical significance of the c.3799-9C>G variant is uncertain.